The following is an entry in ClinVar:

ClinVar aggregate classification (germline): Conflicting classifications of pathogenicity. Review status: criteria provided, conflicting classifications (1 of 4 stars). 2 submissions from 2 submitters: Uncertain significance (1); Likely benign (1). Last evaluated 2024-10-15.

Allele frequency attached by ClinVar (database versions not stated): gnomAD exomes below 0.00001.
gnomAD v4.1: 1 of 1,614,172 alleles (0.000062%); highest among the groups gnomAD compares: Admixed American, 0.0017%; no homozygotes.

Submissions (2):

Labcorp Genetics (formerly Invitae), Labcorp
Classification: Likely benign. Last evaluated: 2024-10-15. Review status: criteria provided, single submitter. Criteria: Invitae Variant Classification Sherloc (09022015). Collection method: clinical testing. Allele origin: germline.

GeneDx
Classification: Uncertain significance. Last evaluated: 2021-08-26. Review status: criteria provided, single submitter. Criteria: GeneDx Variant Classification Process June 2021. Collection method: clinical testing. Allele origin: germline. Affected: yes.
Comment: In silico analysis supports that this missense variant has a deleterious effect on protein structure/function; Has not been previously published as pathogenic or benign to our knowledge

NM_006766.5(KAT6A):c.2806C>A (p.Pro936Thr)

Gene: KAT6A (lysine acetyltransferase 6A; minus strand). Cytogenetic location: 8p11.21.
Variant type: single nucleotide variant.
Coding change: c.2806C>A on transcript NM_006766.5 (MANE Select); coding-DNA position 2806, C replaced by A.
Protein change: p.Pro936Thr; replaces proline 936 with threonine.
Molecular consequence: missense variant.
Genome position (GRCh38, 1-based): chr8:41,941,075, G>T on the plus strand (C>A on the coding strand, the complement: KAT6A is on the minus strand). VCF-style: chr8-41941075-G-T. GRCh37 (hg19) VCF-style: chr8-41798593-G-T.
Other names: short protein forms P936T.
Identifiers: ClinVar variation 1342810 (VCV001342810.5), dbSNP rs367785766, ClinGen allele CA371071619.